The following is an entry in ClinVar:

ClinVar aggregate classification (germline): Uncertain significance (1 of 4 stars; one submission).

Submission:

Labcorp Genetics (formerly Invitae), Labcorp
Classification: Uncertain significance. Last evaluated: 2020-11-04. Review status: criteria provided, single submitter. Criteria: Invitae Variant Classification Sherloc (09022015). Collection method: clinical testing. Allele origin: germline.
Comment: In summary, the available evidence is currently insufficient to determine the role of this variant in disease. Therefore, it has been classified as a Variant of Uncertain Significance. Algorithms developed to predict the effect of missense changes on protein structure and function (SIFT, PolyPhen-2, Align-GVGD) all suggest that this variant is likely to be tolerated, but these predictions have not been confirmed by published functional studies and their clinical significance is uncertain. This variant has not been reported in the literature in individuals with SLC25A12-related conditions. This variant is not present in population databases (ExAC no frequency). This sequence change replaces tyrosine with histidine at codon 47 of the SLC25A12 protein (p.Tyr47His). The tyrosine residue is moderately conserved and there is a moderate physicochemical difference between tyrosine and histidine.

NM_003705.5(SLC25A12):c.139T>C (p.Tyr47His)

Gene: SLC25A12 (solute carrier family 25 member 12; minus strand). Cytogenetic location: 2q31.1.
Variant type: single nucleotide variant.
Coding change: c.139T>C on transcript NM_003705.5 (MANE Select); coding-DNA position 139, T replaced by C.
Protein change: p.Tyr47His; replaces tyrosine 47 with histidine.
Molecular consequence: missense variant. On other transcripts: non-coding transcript variant (1).
Genome position (GRCh38, 1-based): chr2:171,868,751, A>G on the plus strand (T>C on the coding strand, the complement: SLC25A12 is on the minus strand). VCF-style: chr2-171868751-A-G. GRCh37 (hg19) VCF-style: chr2-172725261-A-G.
Other names: short protein forms Y47H.
Identifiers: ClinVar variation 1394490 (VCV001394490.8), dbSNP rs932756735, ClinGen allele CA60950616.